The following is an entry in ClinVar:

NM_003978.5(PSTPIP1):c.1228G>A (p.Gly410Ser)

Gene: PSTPIP1 (proline-serine-threonine phosphatase interacting protein 1; plus strand). Cytogenetic location: 15q24.3.
Variant type: single nucleotide variant.
Coding change: c.1228G>A on transcript NM_003978.5 (MANE Select); coding-DNA position 1228, G replaced by A.
Protein change: p.Gly410Ser; replaces glycine 410 with serine.
Molecular consequence: missense variant. On other transcripts: non-coding transcript variant (1).
Genome position (GRCh38, 1-based): chr15:77,037,153, G>A. VCF-style: chr15-77037153-G-A. GRCh37 (hg19) VCF-style: chr15-77329494-G-A.
Other names: c.1171G>A, p.Gly391Ser (NM_001321135.2); c.1201G>A, p.Gly401Ser (NM_001321136.2); c.1423G>A, p.Gly475Ser (NM_001321137.1); short protein forms G410S, G475S, G391S, G401S.
Identifiers: ClinVar variation 1384446 (VCV001384446.8), dbSNP rs2152692953, ClinGen allele CA393522141.
Genomic context (GRCh38, chr15:77,037,153, plus strand): 5'-CTGGAAGGGGAGGATGGCTGGTGGACTGTGGAGAGGAACGGGCAGCGTGGCTTCGTCCCT[G>A]GTTCCTACCTGGAGAAGCTTTGAGGAAGGGCCAGGAGCCCCTTCGGACCTGCCCTGCCAG-3'
Protein context (NP_003969.2, residues 400-416): ERNGQRGFVP[Gly410Ser]SYLEKL

ClinVar aggregate classification (germline): Uncertain significance (1 of 4 stars; one submission).

Conditions:
Pyogenic arthritis-pyoderma gangrenosum-acne syndrome (PAPA). Also called: PAPA SYNDROME; FAMILIAL RECURRENT ARTHRITIS. Identifiers: Orphanet 69126, MedGen C1858361, MONDO:0011462, OMIM 604416.

Submission:

Labcorp Genetics (formerly Invitae), Labcorp
Classification: Uncertain significance for Pyogenic arthritis-pyoderma gangrenosum-acne syndrome. Last evaluated: 2022-08-15. Review status: criteria provided, single submitter. Criteria: Invitae Variant Classification Sherloc (09022015). Collection method: clinical testing. Allele origin: germline.
Comment: In summary, the available evidence is currently insufficient to determine the role of this variant in disease. Therefore, it has been classified as a Variant of Uncertain Significance. Algorithms developed to predict the effect of sequence changes on RNA splicing suggest that this variant may create or strengthen a splice site. Algorithms developed to predict the effect of missense changes on protein structure and function are either unavailable or do not agree on the potential impact of this missense change (SIFT: "Deleterious"; PolyPhen-2: "Probably Damaging"; Align-GVGD: "Class C0"). ClinVar contains an entry for this variant (Variation ID: 1384446). This variant has not been reported in the literature in individuals affected with PSTPIP1-related conditions. This variant is not present in population databases (gnomAD no frequency). This sequence change replaces glycine, which is neutral and non-polar, with serine, which is neutral and polar, at codon 410 of the PSTPIP1 protein (p.Gly410Ser).